The following is an entry in ClinVar:

NM_001148.6(ANK2):c.9629C>T (p.Thr3210Ile)

Gene: ANK2 (ankyrin 2; plus strand). Cytogenetic location: 4q26.
Variant type: single nucleotide variant.
Coding change: c.9629C>T on transcript NM_001148.6 (MANE Select); coding-DNA position 9629, C replaced by T.
Protein change: p.Thr3210Ile; replaces threonine 3210 with isoleucine.
Molecular consequence: missense variant. On other transcripts: intron variant (68).
Genome position (GRCh38, 1-based): chr4:113,358,247, C>T. VCF-style: chr4-113358247-C-T. GRCh37 (hg19) VCF-style: chr4-114279403-C-T.
Other names: c.9395C>T, p.Thr3132Ile (NM_001386142.1); c.6029C>T, p.Thr2010Ile (NM_001386166.1); c.9770C>T, p.Thr3257Ile (NM_001386174.1); c.9746C>T, p.Thr3249Ile (NM_001386175.1); c.4412-2576C>T (NM_001386186.2, NM_001386148.2); c.4214-2576C>T (NM_001354269.3); c.4292-2576C>T (NM_001386187.2); c.4253-2576C>T (NM_001386147.1); and 35 more; short protein forms T2010I, T3132I, T3210I, T3249I, T3257I.
Identifiers: ClinVar variation 3221024 (VCV003221024.2), dbSNP rs1438828190, ClinGen allele CA357938318.

ClinVar aggregate classification (germline): Uncertain significance. Review status: criteria provided, multiple submitters, no conflicts (2 of 4 stars). 2 submissions from 2 submitters: Uncertain significance (2). Last evaluated 2025-07-28.

Conditions:
ANK2-related disorder. Also called: ANK2-related condition.
Cardiovascular phenotype. Identifiers: MedGen CN230736.

Allele frequency attached by ClinVar (database versions not stated): gnomAD exomes below 0.00001; TOPMed 0.00002.
gnomAD v4.1: 1 of 1,614,096 alleles (0.000062%); highest among the groups gnomAD compares: African/African-American, 0.0013%; no homozygotes.

Submissions (2):

PreventionGenetics, part of Exact Sciences
Classification: Uncertain significance for ANK2-related condition. Last evaluated: 2025-07-28. Review status: criteria provided, single submitter. Criteria: ACMG Guidelines, 2015. Collection method: clinical testing. Allele origin: germline.
Comment: The ANK2 c.9629C>T variant is predicted to result in the amino acid substitution p.Thr3210Ile. To our knowledge, this variant has not been reported in the literature or in a large population database (gnomAD), indicating this variant is rare. At this time, the clinical significance of this variant is uncertain due to the absence of conclusive functional and genetic evidence.

Ambry Genetics
Classification: Uncertain significance for Cardiovascular phenotype. Last evaluated: 2024-02-03. Review status: criteria provided, single submitter. Criteria: Ambry Variant Classification Scheme 2023. Collection method: clinical testing. Allele origin: germline.
Comment: The p.T3210I variant (also known as c.9629C>T), located in coding exon 38 of the ANK2 gene, results from a C to T substitution at nucleotide position 9629. The threonine at codon 3210 is replaced by isoleucine, an amino acid with similar properties. This amino acid position is conserved. In addition, this alteration is predicted to be tolerated by in silico analysis. Based on the available evidence, the clinical significance of this alteration remains unclear.